The following is an entry in ClinVar:

ClinVar aggregate classification (germline): Uncertain significance (1 of 4 stars; one submission).

Conditions:
Idiopathic Pulmonary Fibrosis. Also called: Idiopathic fibrosing alveolitis, chronic form; idiopathic fibrosing alveolitis. Identifiers: Orphanet 2032, MedGen C1800706, MeSH D054990, MONDO:0800504.
Dyskeratosis congenita, autosomal dominant 2. Identifiers: MedGen C3151443, MONDO:0013521, OMIM 613989.

Submission:

Labcorp Genetics (formerly Invitae), Labcorp
Classification: Uncertain significance for Dyskeratosis congenita, autosomal dominant 2; Idiopathic Pulmonary Fibrosis. Last evaluated: 2022-07-06. Review status: criteria provided, single submitter. Criteria: Invitae Variant Classification Sherloc (09022015). Collection method: clinical testing. Allele origin: germline.
Comment: This variant is not present in population databases (gnomAD no frequency). This sequence change replaces aspartic acid, which is acidic and polar, with alanine, which is neutral and non-polar, at codon 1038 of the TERT protein (p.Asp1038Ala). In summary, the available evidence is currently insufficient to determine the role of this variant in disease. Therefore, it has been classified as a Variant of Uncertain Significance. Advanced modeling of protein sequence and biophysical properties (such as structural, functional, and spatial information, amino acid conservation, physicochemical variation, residue mobility, and thermodynamic stability) performed at Invitae indicates that this missense variant is expected to disrupt TERT protein function. ClinVar contains an entry for this variant (Variation ID: 1026810). This variant has not been reported in the literature in individuals affected with TERT-related conditions.

NM_198253.3(TERT):c.3113A>C (p.Asp1038Ala)

Gene: TERT (telomerase reverse transcriptase; minus strand). Cytogenetic location: 5p15.33.
Variant type: single nucleotide variant.
Coding change: c.3113A>C on transcript NM_198253.3 (MANE Select); coding-DNA position 3113, A replaced by C.
Protein change: p.Asp1038Ala; replaces aspartic acid 1038 with alanine.
Molecular consequence: missense variant. On other transcripts: non-coding transcript variant (2).
Genome position (GRCh38, 1-based): chr5:1,255,331, T>G on the plus strand (A>C on the coding strand, the complement: TERT is on the minus strand). VCF-style: chr5-1255331-T-G. GRCh37 (hg19) VCF-style: chr5-1255446-T-G.
Other names: c.2924A>C, p.Asp975Ala (NM_001193376.3); short protein forms D1038A, D975A.
Identifiers: ClinVar variation 1026810 (VCV001026810.9), dbSNP rs1747641424, ClinGen allele CA359068134.
Genomic context (GRCh38, chr5:1,255,331, plus strand): 5'-AGGCACCTGCACATACCTGCGTTCTTGGCTTTCAGGATGGAGTAGCAGAGGGAGGCCGTG[T>G]CAGAGATGACGCGCAGGAAAAATGTGGGGTTCTTCCAAACTTGCTGATGAAATGGGAGCT-3'
Protein context (NP_937983.2, residues 1028-1048): NPTFFLRVIS[Asp1038Ala]TASLCYSILK